The following is an entry in ClinVar:

ClinVar aggregate classification (germline): Uncertain significance (1 of 4 stars; one submission).

Submission:

Dasa
Classification: Uncertain significance. Last evaluated: 2025-08-22. Review status: criteria provided, single submitter. Criteria: DASA Assertion Criteria. Collection method: clinical testing. Allele origin: germline.
Comment: NM_001170629.2(CHD8):c.502T>A (p.Ser168Thr) is a missense variant that results in the substitution of serine with threonine. This variant is absent from population databases. Computational prediction algorithms are consistent with a benign effect. The currently available literature and clinical evidence are not sufficient to establish a definitive association between this variant and the reported condition. Therefore, this variant is classified as a variant of uncertain significance.

NM_001170629.2(CHD8):c.502T>A (p.Ser168Thr)

Gene: CHD8 (chromodomain helicase DNA binding protein 8; minus strand). Cytogenetic location: 14q11.2.
Variant type: single nucleotide variant.
Coding change: c.502T>A on transcript NM_001170629.2 (MANE Select); coding-DNA position 502, T replaced by A.
Protein change: p.Ser168Thr; replaces serine 168 with threonine.
Molecular consequence: missense variant. On other transcripts: intron variant (1).
Genome position (GRCh38, 1-based): chr14:21,431,142, A>T on the plus strand (T>A on the coding strand, the complement: CHD8 is on the minus strand). VCF-style: chr14-21431142-A-T. GRCh37 (hg19) VCF-style: chr14-21899301-A-T.
Other names: c.6+669T>A (NM_020920.4); short protein forms S168T.
Identifiers: ClinVar variation 4885839 (VCV004885839.2).
Genomic context (GRCh38, chr14:21,431,142, plus strand): 5'-GAGCTGTGCTGGTGATACCTTGGGCCTGAATTTGTGCCACATGGGCACCAGTGACTGAGG[A>T]GCTTGGTGGGGCCTTAAGGATAACAATCTTAGGGGCTGACTGAGGTGGCTGCCCTCCAGC-3'
Protein context (NP_001164100.1, residues 158-178): KIVILKAPPS[Ser168Thr]SVTGAHVAQI